The following is an entry in ClinVar:

NM_022065.5(THADA):c.2469G>A (p.Ser823=)

Gene: THADA (THADA armadillo repeat containing; minus strand). Cytogenetic location: 2p21.
Variant type: single nucleotide variant.
Coding change: c.2469G>A on transcript NM_022065.5 (MANE Select); coding-DNA position 2469, G replaced by A.
Protein change: p.Ser823=; no amino-acid change (serine 823 retained).
Molecular consequence: synonymous variant. On other transcripts: non-coding transcript variant (2).
Genome position (GRCh38, 1-based): chr2:43,556,550, C>T on the plus strand (G>A on the coding strand, the complement: THADA is on the minus strand). VCF-style: chr2-43556550-C-T. GRCh37 (hg19) VCF-style: chr2-43783689-C-T.
Other names: c.2469G>A, p.Ser823= (NM_001083953.2, NM_001271643.2, NM_001271644.2 and 2 more transcripts); c.2349G>A, p.Ser783= (NM_001345924.2); c.1599G>A, p.Ser533= (NM_198554.1).
Identifiers: ClinVar variation 2650857 (VCV002650857.24), dbSNP rs754735492, ClinGen allele CA1632931.

ClinVar aggregate classification (germline): Likely benign (1 of 4 stars; one submission).

Allele frequency attached by ClinVar (database versions not stated): ExAC 0.00002; TOPMed 0.00003; gnomAD 0.00004.
gnomAD v4.1: 32 of 1,613,086 alleles (0.002%); highest among the groups gnomAD compares: Middle Eastern, 0.016%; no homozygotes.

Submission:

CeGaT Center for Human Genetics Tuebingen
Classification: Likely benign. Last evaluated: 2023-02-01. Review status: criteria provided, single submitter. Criteria: CeGaT Center For Human Genetics Tuebingen Variant Classification Criteria Version 2. Collection method: clinical testing. Allele origin: germline. Affected: yes. Observed: 1 variant allele.
Comment: THADA: BP4, BP7